The following is an entry in ClinVar:

NM_001039464.4(MROH7):c.1188C>A (p.Asn396Lys)

Genes: MROH7 (maestro heat like repeat family member 7; plus strand), MROH7-TTC4 (MROH7-TTC4 readthrough (NMD candidate); plus strand). Cytogenetic location: 1p32.3.
Variant type: single nucleotide variant.
Coding change: c.1188C>A on transcript NM_001039464.4 (MANE Select); coding-DNA position 1188, C replaced by A.
Protein change: p.Asn396Lys; replaces asparagine 396 with lysine.
Molecular consequence: missense variant. On other transcripts: non-coding transcript variant (5), intron variant (1).
Genome position (GRCh38, 1-based): chr1:54,654,114, C>A. VCF-style: chr1-54654114-C-A. GRCh37 (hg19) VCF-style: chr1-55119787-C-A.
Other names: c.-213-11053C>A (NM_001291332.2); short protein forms N396K.
Identifiers: ClinVar variation 3025056 (VCV003025056.22), dbSNP rs201471334, ClinGen allele CA867708.
Genomic context (GRCh38, chr1:54,654,114, plus strand): 5'-TTGGAGTGAGATGGCCAGCATTAAGGTGGGCCAGTTCCCGCTGGGATTCCCCATCTCCAA[C>A]CCCGCAGGCAAGGACGCCGTGACCTTGCAAGGCATCCCTGAGGGTAAGGCCAGGGCCGCA-3'
Protein context (NP_001034553.3, residues 386-406): GQFPLGFPIS[Asn396Lys]PAGKDAVTLQ

ClinVar aggregate classification (germline): Likely benign (1 of 4 stars; one submission).

Allele frequency attached by ClinVar (database versions not stated): ESP Exome Variant Server 0.00049; TOPMed 0.00087; ExAC 0.00126; gnomAD exomes 0.00066; gnomAD 0.00076.
gnomAD v4.1: 1,182 of 1,613,602 alleles (0.073%); highest among the groups gnomAD compares: Middle Eastern, 0.033%; 13 homozygotes.

Submission:

CeGaT Center for Human Genetics Tuebingen
Classification: Likely benign. Last evaluated: 2024-01-01. Review status: criteria provided, single submitter. Criteria: CeGaT Center For Human Genetics Tuebingen Variant Classification Criteria Version 2. Collection method: clinical testing. Allele origin: germline. Affected: yes. Observed: 1 variant allele.
Comment: MROH7: BP4